The following is an entry in ClinVar:

ClinVar aggregate classification (germline): Uncertain significance (1 of 4 stars; one submission).

Conditions:
Spondylocostal dysostosis 2, autosomal recessive (SCDO2). Also called: MESP2-Related Spondylocostal Dysostosis, Autosomal Recessive; Spondylocostal dysostosis type 2. Identifiers: Orphanet 2311, MedGen C1837549, MONDO:0012097, OMIM 608681.

Submission:

Dasa
Classification: Uncertain significance for Spondylocostal dysostosis 2, autosomal recessive. Last evaluated: 2026-03-06. Review status: criteria provided, single submitter. Criteria: DASA Assertion Criteria. Collection method: clinical testing. Allele origin: germline.
Comment: NM_001039958.2(MESP2):c.994C>T (p.Gln332*) is a nonsense variant in MESP2 predicted to introduce a premature termination codon and is predicted to result in an absent or altered protein product. This variant is rare in population databases. The currently available literature and clinical evidence are not sufficient to establish a definitive association between this variant and the reported condition. Therefore, this variant is classified as a variant of uncertain significance.

NM_001039958.2(MESP2):c.994C>T (p.Gln332Ter)

Gene: MESP2 (mesoderm posterior bHLH transcription factor 2; plus strand). Cytogenetic location: 15q26.1.
Variant type: single nucleotide variant.
Coding change: c.994C>T on transcript NM_001039958.2 (MANE Select); coding-DNA position 994, C replaced by T.
Protein change: p.Gln332Ter; replaces glutamine 332 with a stop codon.
Molecular consequence: nonsense.
Genome position (GRCh38, 1-based): chr15:89,778,134, C>T. VCF-style: chr15-89778134-C-T. GRCh37 (hg19) VCF-style: chr15-90321365-C-T.
Other names: short protein forms Q332*.
Identifiers: ClinVar variation 4883132 (VCV004883132.2).
Genomic context (GRCh38, chr15:89,778,134, plus strand): 5'-GTGTCTCCAGAGCCCTGTCTGTCGCTGGGAGCTCCATCTCTCCTGCCCCACCCATCATGC[C>T]AGAGACTGCAGCCTCAGACCCCCGGGAGGTGCTGGAGCCACAGTGCAGAGGTGGTGCCCA-3'